The following is an entry in ClinVar:

ClinVar aggregate classification (germline): Uncertain significance. Review status: criteria provided, multiple submitters, no conflicts (2 of 4 stars). 2 submissions from 2 submitters: Uncertain significance (2). Last evaluated 2026-09-11.

Conditions:
Arrhythmogenic right ventricular dysplasia 10. Also called: Arrhythmogenic Right Ventricular Dysplasia/Cardiomyopathy10; ARRHYTHMOGENIC RIGHT VENTRICULAR DYSPLASIA, FAMILIAL, 10; Arrhythmogenic right ventricular dysplasia/cardiomyopathy, type 10. Identifiers: MedGen C1857777, MONDO:0012434, OMIM 610193.
Cardiovascular phenotype. Identifiers: MedGen CN230736.

gnomAD v4.1: 3 of 1,614,034 alleles (0.00019%); highest among the groups gnomAD compares: African/African-American, 0.0027%; no homozygotes.

Submissions (2):

Ambry Genetics
Classification: Uncertain significance for Cardiovascular phenotype. Last evaluated: 2026-09-11. Review status: criteria provided, single submitter. Criteria: Ambry Variant Classification Scheme 2023. Collection method: clinical testing. Allele origin: germline.
Comment: The p.L831P variant (also known as c.2492T>C), located in coding exon 15 of the DSG2 gene, results from a T to C substitution at nucleotide position 2492. The leucine at codon 831 is replaced by proline, an amino acid with similar properties. This amino acid position is conserved. In addition, this alteration is predicted to be tolerated by in silico analysis. Based on the available evidence, the clinical significance of this variant remains unclear.

Labcorp Genetics (formerly Invitae), Labcorp
Classification: Uncertain significance for Arrhythmogenic right ventricular dysplasia 10. Last evaluated: 2023-11-17. Review status: criteria provided, single submitter. Criteria: Invitae Variant Classification Sherloc (09022015). Collection method: clinical testing. Allele origin: germline.
Comment: This sequence change replaces leucine, which is neutral and non-polar, with proline, which is neutral and non-polar, at codon 831 of the DSG2 protein (p.Leu831Pro). This variant is present in population databases (no rsID available, gnomAD 0.01%). This variant has not been reported in the literature in individuals affected with DSG2-related conditions. Advanced modeling of protein sequence and biophysical properties (such as structural, functional, and spatial information, amino acid conservation, physicochemical variation, residue mobility, and thermodynamic stability) performed at Invitae indicates that this missense variant is not expected to disrupt DSG2 protein function with a negative predictive value of 95%. In summary, the available evidence is currently insufficient to determine the role of this variant in disease. Therefore, it has been classified as a Variant of Uncertain Significance.

NM_001943.5(DSG2):c.2492T>C (p.Leu831Pro)

Genes: DSG2 (desmoglein 2; plus strand), DSG2-AS1 (DSG2 antisense RNA 1; minus strand). Cytogenetic location: 18q12.1.
Variant type: single nucleotide variant.
Coding change: c.2492T>C on transcript NM_001943.5 (MANE Select); coding-DNA position 2492, T replaced by C.
Protein change: p.Leu831Pro; replaces leucine 831 with proline.
Molecular consequence: missense variant. On other transcripts: non-coding transcript variant (1).
Genome position (GRCh38, 1-based): chr18:31,545,878, T>C. VCF-style: chr18-31545878-T-C. GRCh37 (hg19) VCF-style: chr18-29125841-T-C.
Other names: short protein forms L831P.
Identifiers: ClinVar variation 2914071 (VCV002914071.3), dbSNP rs1420028518, ClinGen allele CA402144710.
Genomic context (GRCh38, chr18:31,545,878, plus strand): 5'-TTGGTTGTTGCAGTTTTATTGAAGGAGAGCTAGATGACCGCTTCTTAGATGATTTGGGAC[T>C]TAAATTCAAGACACTAGCTGAAGTTTGCCTGGGTCAAAAAATAGATATAAATAAGGAAAT-3'
Protein context (NP_001934.2, residues 821-841): LDDRFLDDLG[Leu831Pro]KFKTLAEVCL